The following is an entry in ClinVar:

NM_000277.3(PAH):c.1089G>C (p.Lys363Asn)

Gene: PAH (phenylalanine hydroxylase; minus strand). Cytogenetic location: 12q23.2.
Variant type: single nucleotide variant.
Coding change: c.1089G>C on transcript NM_000277.3 (MANE Select); coding-DNA position 1089, G replaced by C.
Protein change: p.Lys363Asn; replaces lysine 363 with asparagine.
Molecular consequence: missense variant.
Genome position (GRCh38, 1-based): chr12:102,843,756, C>G on the plus strand (G>C on the coding strand, the complement: PAH is on the minus strand). VCF-style: chr12-102843756-C-G. GRCh37 (hg19) VCF-style: chr12-103237534-C-G.
Other names: c.1089G>C, p.Lys363Asn (NM_001354304.2); short protein forms K363N.
Identifiers: ClinVar variation 554266 (VCV000554266.14), dbSNP rs63329263, ClinGen allele CA386493324.
Genomic context (GRCh38, chr12:102,843,756, plus strand): 5'-CTGGAACTCCGTGACAGTGTAATTTTGGATGGCTGTCTTCTCCAGCTCCAGGGGGAGAAG[C>G]TTTGGCTTCTCTGATAAGCAGTACTGTAGGCCCCAAGTGAAAAGTTATTATCACTGTTAA-3'
Protein context (NP_000268.1, residues 353-373): ELQYCLSEKP[Lys363Asn]LLPLELEKTA

ClinVar aggregate classification (germline): Uncertain significance. Review status: criteria provided, multiple submitters, no conflicts (2 of 4 stars). 6 submissions from 6 submitters: Uncertain significance (4). 2 of the submissions do not count toward it. Last evaluated 2021-07-14.

Conditions:
Phenylketonuria (PKU). Also called: Phenylketonurias; Phenylketonuria (PKU); OLIGOPHRENIA PHENYLPYRUVICA; FOLLING DISEASE. Identifiers: Orphanet 716, MedGen C0031485, MONDO:0009861, OMIM 261600. Disease mechanism: loss of function.

Allele frequency attached by ClinVar (database versions not stated): TOPMed 0.00001.
gnomAD v4.1: 7 of 1,613,818 alleles (0.00043%); highest among the groups gnomAD compares: Non-Finnish European, 0.00059%; no homozygotes.

Submissions (6):

Genome-Nilou Lab
Classification: Uncertain significance for Phenylketonuria. Last evaluated: 2021-07-14. Review status: criteria provided, single submitter. Criteria: ACMG Guidelines, 2015. Collection method: clinical testing. Allele origin: germline. Affected: no.

Women's Health and Genetics/Laboratory Corporation of America, LabCorp
Classification: Uncertain significance. Last evaluated: 2021-06-14. Review status: criteria provided, single submitter. Criteria: LabCorp Variant Classification Summary - May 2015. Collection method: clinical testing. Allele origin: germline.
Comment: Variant summary: PAH c.1089G>C (p.Lys363Asn) results in a non-conservative amino acid change located in the Aromatic amino acid hydroxylase, C-terminal domain (IPR019774) of the encoded protein sequence. Three of five in-silico tools predict a benign effect of the variant on protein function. The variant was absent in 251210 control chromosomes. The available data on variant occurrences in the general population are insufficient to allow any conclusion about variant significance. To our knowledge, no occurrence of c.1089G>C in individuals affected with Phenylalanine Hydroxylase Deficiency (Phenylketonuria) and no experimental evidence demonstrating its impact on protein function have been reported. Two clinical diagnostic laboratories have submitted clinical-significance assessments for this variant to ClinVar after 2014 without evidence for independent evaluation. Both laboratories cited the variant as uncertain significance. Based on the evidence outlined above, the variant was classified as uncertain significance.

Blueprint Genetics
Classification: Uncertain significance. Last evaluated: 2020-12-01. Review status: criteria provided, single submitter. Criteria: ACMG Guidelines, 2015. Collection method: clinical testing. Allele origin: germline.

Illumina Laboratory Services, Illumina
Classification: Uncertain significance for Phenylketonuria. Last evaluated: 2017-04-28. Review status: criteria provided, single submitter. Criteria: ICSL Variant Classification Criteria 13 December 2019. Collection method: clinical testing. Allele origin: germline.

Natera, Inc.
Classification: Uncertain significance for Phenylketonuria. Last evaluated: 2020-07-20. Review status: no assertion criteria provided. Collection method: clinical testing. Allele origin: germline. Not counted in ClinVar's aggregate classification.

Counsyl
Classification: Uncertain significance for Phenylketonuria. Last evaluated: 2017-10-10. Review status: no assertion criteria provided. Collection method: clinical testing. Allele origin: unknown. Not counted in ClinVar's aggregate classification.

Literature cited by the submitters: PubMed 24882081 (cited by Women's Health and Genetics/Laboratory Corporation of America, LabCorp); PubMed 27760515 (cited by Women's Health and Genetics/Laboratory Corporation of America, LabCorp).